The following is an entry in ClinVar:

NM_032043.3(BRIP1):c.910G>A (p.Gly304Arg)

Gene: BRIP1 (BRCA1 interacting DNA helicase 1; minus strand). Cytogenetic location: 17q23.2.
Variant type: single nucleotide variant.
Coding change: c.910G>A on transcript NM_032043.3 (MANE Select); coding-DNA position 910, G replaced by A.
Protein change: p.Gly304Arg; replaces glycine 304 with arginine.
Molecular consequence: missense variant.
Genome position (GRCh38, 1-based): chr17:61,808,475, C>T on the plus strand (G>A on the coding strand, the complement: BRIP1 is on the minus strand). VCF-style: chr17-61808475-C-T. GRCh37 (hg19) VCF-style: chr17-59885836-C-T.
Other names: short protein forms G304R.
Identifiers: ClinVar variation 575989 (VCV000575989.12), dbSNP rs1567837588, ClinGen allele CA400484651.

ClinVar aggregate classification (germline): Uncertain significance. Review status: criteria provided, multiple submitters, no conflicts (2 of 4 stars). 2 submissions from 2 submitters: Uncertain significance (2). Last evaluated 2024-05-15.

Conditions:
Fanconi anemia complementation group J. Also called: BRIP1-Related Fanconi Anemia. Identifiers: Orphanet 84, MedGen C1836860, MONDO:0012187, OMIM 609054.
Familial cancer of breast. Also called: hereditary breast carcinoma; BREAST CANCER, FAMILIAL; Hereditary breast cancer. Identifiers: Orphanet 227535, MedGen C0346153, MONDO:0016419, OMIM 114480. Disease mechanism: loss of function.
Hereditary cancer-predisposing syndrome. Also called: Hereditary neoplastic syndrome; Tumor predisposition; Hereditary Cancer Syndrome; Neoplastic Syndromes, Hereditary. Identifiers: Orphanet 140162, MedGen C0027672, MeSH D009386, MONDO:0015356.

Submissions (2):

Ambry Genetics
Classification: Uncertain significance for Hereditary cancer-predisposing syndrome. Last evaluated: 2024-05-15. Review status: criteria provided, single submitter. Criteria: Ambry Variant Classification Scheme 2023. Collection method: clinical testing. Allele origin: germline.
Comment: The p.G304R variant (also known as c.910G>A), located in coding exon 6 of the BRIP1 gene, results from a G to A substitution at nucleotide position 910. The glycine at codon 304 is replaced by arginine, an amino acid with dissimilar properties. This amino acid position is well conserved in available vertebrate species. In addition, this alteration is predicted to be tolerated by in silico analysis. Based on the available evidence, the clinical significance of this variant remains unclear.

Labcorp Genetics (formerly Invitae), Labcorp
Classification: Uncertain significance for Familial cancer of breast; Fanconi anemia complementation group J. Last evaluated: 2023-12-12. Review status: criteria provided, single submitter. Criteria: Invitae Variant Classification Sherloc (09022015). Collection method: clinical testing. Allele origin: germline.
Comment: This sequence change replaces glycine, which is neutral and non-polar, with arginine, which is basic and polar, at codon 304 of the BRIP1 protein (p.Gly304Arg). This variant is not present in population databases (gnomAD no frequency). This variant has not been reported in the literature in individuals affected with BRIP1-related conditions. ClinVar contains an entry for this variant (Variation ID: 575989). Advanced modeling of protein sequence and biophysical properties (such as structural, functional, and spatial information, amino acid conservation, physicochemical variation, residue mobility, and thermodynamic stability) performed at Invitae indicates that this missense variant is not expected to disrupt BRIP1 protein function with a negative predictive value of 80%. In summary, the available evidence is currently insufficient to determine the role of this variant in disease. Therefore, it has been classified as a Variant of Uncertain Significance.